The following is an entry in ClinVar:

ClinVar aggregate classification (germline): Likely pathogenic (1 of 4 stars; one submission).

Conditions:
PKD1L1-related disorder. Also called: PKD1L1-related condition.

gnomAD v4.1: 8 of 1,569,410 alleles (0.00051%); highest among the groups gnomAD compares: East Asian, 0.0024%; no homozygotes.

Submission:

PreventionGenetics, part of Exact Sciences
Classification: Likely pathogenic for PKD1L1-related condition. Last evaluated: 2025-02-19. Review status: criteria provided, single submitter. Criteria: ACMG Guidelines, 2015. Collection method: clinical testing. Allele origin: germline.
Comment: The PKD1L1 c.7372C>T variant is predicted to result in premature protein termination (p.Arg2458*). To our knowledge, this variant has not been reported in the literature or in a large population database (gnomAD), indicating this variant is rare. Nonsense variants in PKD1L1 are expected to be pathogenic. This variant is interpreted as likely pathogenic.

NM_138295.5(PKD1L1):c.7372C>T (p.Arg2458Ter)

Genes: PKD1L1 (polycystin 1 like 1, transient receptor potential channel interacting; minus strand), PKD1L1-AS1 (PKD1L1 antisense RNA 1; plus strand). Cytogenetic location: 7p12.3.
Variant type: single nucleotide variant.
Coding change: c.7372C>T on transcript NM_138295.5 (MANE Select); coding-DNA position 7372, C replaced by T.
Protein change: p.Arg2458Ter; replaces arginine 2458 with a stop codon.
Molecular consequence: nonsense.
Genome position (GRCh38, 1-based): chr7:47,812,026, G>A on the plus strand (C>T on the coding strand, the complement: PKD1L1 is on the minus strand). VCF-style: chr7-47812026-G-A. GRCh37 (hg19) VCF-style: chr7-47851624-G-A.
Other names: short protein forms R2458*.
Identifiers: ClinVar variation 4979431 (VCV004979431.1).